The following is an entry in ClinVar:

NM_005633.4(SOS1):c.500G>A (p.Cys167Tyr)

Gene: SOS1 (SOS Ras/Rac guanine nucleotide exchange factor 1; minus strand). Cytogenetic location: 2p22.1.
Variant type: single nucleotide variant.
Coding change: c.500G>A on transcript NM_005633.4 (MANE Select); coding-DNA position 500, G replaced by A.
Protein change: p.Cys167Tyr; replaces cysteine 167 with tyrosine.
Molecular consequence: missense variant.
Genome position (GRCh38, 1-based): chr2:39,056,712, C>T on the plus strand (G>A on the coding strand, the complement: SOS1 is on the minus strand). VCF-style: chr2-39056712-C-T. GRCh37 (hg19) VCF-style: chr2-39283853-C-T.
Other names: c.500G>A (NM_005633.3); c.479G>A, p.Cys160Tyr (NM_001382394.1); c.500G>A, p.Cys167Tyr (NM_001382395.1); short protein forms C160Y, C167Y.
Identifiers: ClinVar variation 1371070 (VCV001371070.9), dbSNP rs768975865, ClinGen allele CA1624788.
Genomic context (GRCh38, chr2:39,056,712, plus strand): 5'-AAGTCATAAAAAGAAACTTAAGAAAAAAATAGAAAAGCTCAGTTTCCTACCTTGTCAGCA[C>T]ACATTGCCACTTTAATATCTTGTTTTGTAATTTCATAATGCCGTATATTTCTTACATAAT-3'
Protein context (NP_005624.2, residues 157-177): ITKQDIKVAM[Cys167Tyr]ADKVLMDMFH

ClinVar aggregate classification (germline): Uncertain significance. Review status: criteria provided, multiple submitters, no conflicts (2 of 4 stars). 2 submissions from 2 submitters: Uncertain significance (2). Last evaluated 2025-10-29.

Conditions:
Cardiovascular phenotype. Identifiers: MedGen CN230736.
RASopathy. Also called: Noonan spectrum disorder; rasopathies. Identifiers: Orphanet 536391, MedGen C5555857, MONDO:0021060.

Allele frequency attached by ClinVar (database versions not stated): gnomAD exomes below 0.00001; ExAC 0.00001.

Submissions (2):

Ambry Genetics
Classification: Uncertain significance for Cardiovascular phenotype. Last evaluated: 2025-10-29. Review status: criteria provided, single submitter. Criteria: Ambry Variant Classification Scheme 2023. Collection method: clinical testing. Allele origin: germline.
Comment: The p.C167Y variant (also known as c.500G>A), located in coding exon 4 of the SOS1 gene, results from a G to A substitution at nucleotide position 500. The cysteine at codon 167 is replaced by tyrosine, an amino acid with highly dissimilar properties. This amino acid position is conserved. In addition, this alteration is predicted to be deleterious by in silico analysis. Based on the available evidence, the clinical significance of this variant remains unclear.

Labcorp Genetics (formerly Invitae), Labcorp
Classification: Uncertain significance for RASopathy. Last evaluated: 2021-04-29. Review status: criteria provided, single submitter. Criteria: Invitae Variant Classification Sherloc (09022015). Collection method: clinical testing. Allele origin: germline.
Comment: In summary, the available evidence is currently insufficient to determine the role of this variant in disease. Therefore, it has been classified as a Variant of Uncertain Significance. Advanced modeling of protein sequence and biophysical properties (such as structural, functional, and spatial information, amino acid conservation, physicochemical variation, residue mobility, and thermodynamic stability) performed at Invitae indicates that this missense variant is expected to disrupt SOS1 protein function. This variant has not been reported in the literature in individuals with SOS1-related conditions. This variant is present in population databases (rs768975865, ExAC 0.009%). This sequence change replaces cysteine with tyrosine at codon 167 of the SOS1 protein (p.Cys167Tyr). The cysteine residue is moderately conserved and there is a large physicochemical difference between cysteine and tyrosine.